The following is an entry in ClinVar:

ClinVar aggregate classification (germline): Likely benign. Review status: criteria provided, multiple submitters, no conflicts (2 of 4 stars). 2 submissions from 2 submitters: Likely benign (2). Last evaluated 2025-07-25.

Conditions:
COL4A4-related disorder.

Allele frequency attached by ClinVar (database versions not stated): gnomAD exomes below 0.00001; TOPMed below 0.00001; gnomAD 0.00001.
gnomAD v4.1: 2 of 1,613,852 alleles (0.00012%); highest among the groups gnomAD compares: Middle Eastern, 0.016%; no homozygotes.

Submissions (2):

PreventionGenetics, part of Exact Sciences
Classification: Likely benign for COL4A4-related condition. Last evaluated: 2025-07-25. Review status: criteria provided, single submitter. Criteria: ACMG Guidelines, 2015. Collection method: clinical testing. Allele origin: germline.
Comment: This variant is classified as likely benign based on ACMG/AMP sequence variant interpretation guidelines (Richards et al. 2015 PMID: 25741868, with internal and published modifications).

Labcorp Genetics (formerly Invitae), Labcorp
Classification: Likely benign. Last evaluated: 2024-02-23. Review status: criteria provided, single submitter. Criteria: Invitae Variant Classification Sherloc (09022015). Collection method: clinical testing. Allele origin: germline.

NM_000092.5(COL4A4):c.1119G>A (p.Gly373=)

Gene: COL4A4 (collagen type IV alpha 4 chain; minus strand). Cytogenetic location: 2q36.3.
Variant type: single nucleotide variant.
Coding change: c.1119G>A on transcript NM_000092.5 (MANE Select); coding-DNA position 1119, G replaced by A.
Protein change: p.Gly373=; no amino-acid change (glycine 373 retained).
Molecular consequence: synonymous variant.
Genome position (GRCh38, 1-based): chr2:227,098,779, C>T on the plus strand (G>A on the coding strand, the complement: COL4A4 is on the minus strand). VCF-style: chr2-227098779-C-T. GRCh37 (hg19) VCF-style: chr2-227963495-C-T.
Other names: c.1119G>A (NM_000092.4).
Identifiers: ClinVar variation 1097847 (VCV001097847.11), dbSNP rs1394330953, ClinGen allele CA431500846.